The following is an entry in ClinVar:

NM_003098.3(SNTA1):c.233C>T (p.Pro78Leu)

Gene: SNTA1 (syntrophin alpha 1; minus strand). Cytogenetic location: 20q11.21.
Variant type: single nucleotide variant.
Coding change: c.233C>T on transcript NM_003098.3 (MANE Select); coding-DNA position 233, C replaced by T.
Protein change: p.Pro78Leu; replaces proline 78 with leucine.
Molecular consequence: missense variant.
Genome position (GRCh38, 1-based): chr20:33,443,388, G>A on the plus strand (C>T on the coding strand, the complement: SNTA1 is on the minus strand). VCF-style: chr20-33443388-G-A. GRCh37 (hg19) VCF-style: chr20-32031194-G-A.
Other names: short protein forms P78L.
Identifiers: ClinVar variation 449151 (VCV000449151.6), dbSNP rs1241571413, ClinGen allele CA408634090.

ClinVar aggregate classification (germline): Uncertain significance. Review status: criteria provided, multiple submitters, no conflicts (2 of 4 stars). 2 submissions from 2 submitters: Uncertain significance (2). Last evaluated 2022-05-21.

Conditions:
Long QT syndrome (LQTS). Identifiers: MedGen C0023976, MeSH D008133, MONDO:0002442. Disease mechanism: loss of function. Inheritance: Various modes of inheritance.

Allele frequency attached by ClinVar (database versions not stated): gnomAD exomes 0.00003 and 0.00001.
gnomAD v4.1: 3 of 1,382,838 alleles (0.00022%); highest among the groups gnomAD compares: Admixed American, 0.0035%; no homozygotes.

Submissions (2):

Labcorp Genetics (formerly Invitae), Labcorp
Classification: Uncertain significance for Long QT syndrome. Last evaluated: 2022-05-21. Review status: criteria provided, single submitter. Criteria: Invitae Variant Classification Sherloc (09022015). Collection method: clinical testing. Allele origin: germline.
Comment: In summary, the available evidence is currently insufficient to determine the role of this variant in disease. Therefore, it has been classified as a Variant of Uncertain Significance. Algorithms developed to predict the effect of missense changes on protein structure and function are either unavailable or do not agree on the potential impact of this missense change (SIFT: "Deleterious"; PolyPhen-2: "Possibly Damaging"; Align-GVGD: "Class C0"). ClinVar contains an entry for this variant (Variation ID: 449151). This variant has not been reported in the literature in individuals affected with SNTA1-related conditions. The frequency data for this variant in the population databases is considered unreliable, as metrics indicate poor data quality at this position in the gnomAD database. This sequence change replaces proline, which is neutral and non-polar, with leucine, which is neutral and non-polar, at codon 78 of the SNTA1 protein (p.Pro78Leu).

GeneDx
Classification: Uncertain significance. Last evaluated: 2017-11-01. Review status: criteria provided, single submitter. Criteria: GeneDx Variant Classification (06012015). Collection method: clinical testing. Allele origin: germline. Affected: yes.
Comment: A variant of uncertain significance has been identified in the SNTA1 gene. The P78L variant has not been published as pathogenic or been reported as benign to our knowledge. This variant is not observed in large population cohorts (Lek et al., 2016). The P78L variant is a semi-conservative amino acid substitution, which may impact secondary protein structure as these residues differ in some properties. This substitution occurs at a position that is conserved across species. In silico analysis predicts this variant is probably damaging to the protein structure/function. However, this variant lacks observation in a significant number of affected individuals, segregation data, and functional evidence, which would further clarify its pathogenicity.